The following is an entry in ClinVar:

ClinVar aggregate classification (germline): Uncertain significance (1 of 4 stars; one submission).

Conditions:
Oligodontia-cancer predisposition syndrome. Also called: TOOTH AGENESIS-COLORECTAL CANCER SYNDROME. Identifiers: Orphanet 300576, MedGen C1837750, MONDO:0012075, OMIM 608615. Disease mechanism: loss of function.

Allele frequency attached by ClinVar (database versions not stated): gnomAD exomes below 0.00001; ExAC 0.00001.
gnomAD v4.1: 1 of 1,614,008 alleles (0.000062%); highest among the groups gnomAD compares: South Asian, 0.0011%; no homozygotes.

Submission:

Labcorp Genetics (formerly Invitae), Labcorp
Classification: Uncertain significance for Oligodontia-cancer predisposition syndrome. Last evaluated: 2022-03-01. Review status: criteria provided, single submitter. Criteria: Invitae Variant Classification Sherloc (09022015). Collection method: clinical testing. Allele origin: germline.
Comment: Algorithms developed to predict the effect of missense changes on protein structure and function are either unavailable or do not agree on the potential impact of this missense change (SIFT: "Tolerated"; PolyPhen-2: "Probably Damaging"; Align-GVGD: "Class C0"). This variant has not been reported in the literature in individuals affected with AXIN2-related conditions. This variant is present in population databases (rs759988180, gnomAD 0.003%). This sequence change replaces serine, which is neutral and polar, with arginine, which is basic and polar, at codon 217 of the AXIN2 protein (p.Ser217Arg). In summary, the available evidence is currently insufficient to determine the role of this variant in disease. Therefore, it has been classified as a Variant of Uncertain Significance.

NM_004655.4(AXIN2):c.651C>G (p.Ser217Arg)

Gene: AXIN2 (axin 2; minus strand). Cytogenetic location: 17q24.1.
Variant type: single nucleotide variant.
Coding change: c.651C>G on transcript NM_004655.4 (MANE Select); coding-DNA position 651, C replaced by G.
Protein change: p.Ser217Arg; replaces serine 217 with arginine.
Molecular consequence: missense variant.
Genome position (GRCh38, 1-based): chr17:65,557,970, G>C on the plus strand (C>G on the coding strand, the complement: AXIN2 is on the minus strand). VCF-style: chr17-65557970-G-C. GRCh37 (hg19) VCF-style: chr17-63554088-G-C.
Other names: c.651C>G, p.Ser217Arg (NM_001363813.1); short protein forms S217R.
Identifiers: ClinVar variation 1445373 (VCV001445373.6), dbSNP rs759988180, ClinGen allele CA8719014.